The following is an entry in ClinVar:

ClinVar aggregate classification (germline): Uncertain significance (1 of 4 stars; one submission).

Conditions:
Charcot-Marie-Tooth disease type 4. Also called: Charcot-Marie-Tooth disease, type IV; Charcot-Marie-Tooth, Type 4. Identifiers: Orphanet 64749, MedGen C4082197, MONDO:0018995.

Allele frequency attached by ClinVar (database versions not stated): TOPMed below 0.00001.

Submission:

Labcorp Genetics (formerly Invitae), Labcorp
Classification: Uncertain significance for Charcot-Marie-Tooth disease type 4. Last evaluated: 2022-07-05. Review status: criteria provided, single submitter. Criteria: Invitae Variant Classification Sherloc (09022015). Collection method: clinical testing. Allele origin: germline.
Comment: In summary, the available evidence is currently insufficient to determine the role of this variant in disease. Therefore, it has been classified as a Variant of Uncertain Significance. Algorithms developed to predict the effect of missense changes on protein structure and function are either unavailable or do not agree on the potential impact of this missense change (SIFT: "Deleterious"; PolyPhen-2: "Benign"; Align-GVGD: "Class C55"). This variant has not been reported in the literature in individuals affected with FGD4-related conditions. This variant is not present in population databases (gnomAD no frequency). This sequence change replaces valine, which is neutral and non-polar, with alanine, which is neutral and non-polar, at codon 640 of the FGD4 protein (p.Val640Ala).

NM_001370298.3(FGD4):c.2330T>C (p.Val777Ala)

Gene: FGD4 (FYVE, RhoGEF and PH domain containing 4; plus strand). Cytogenetic location: 12p11.21.
Variant type: single nucleotide variant.
Coding change: c.2330T>C on transcript NM_001370298.3 (MANE Select); coding-DNA position 2330, T replaced by C.
Protein change: p.Val777Ala; replaces valine 777 with alanine.
Molecular consequence: missense variant.
Genome position (GRCh38, 1-based): chr12:32,638,671, T>C. VCF-style: chr12-32638671-T-C. GRCh37 (hg19) VCF-style: chr12-32791605-T-C.
Other names: c.2174T>C, p.Val725Ala (NM_001304481.2); c.1175T>C, p.Val392Ala (NM_001304483.2); c.887T>C, p.Val296Ala (NM_001304484.2); c.1640T>C, p.Val547Ala (NM_001330373.2, NM_001330374.2, NM_001384130.1); c.1367T>C, p.Val456Ala (NM_001370297.1); c.2330T>C, p.Val777Ala (NM_001384126.1); c.1919T>C, p.Val640Ala (NM_001384127.1, NM_001384128.1, NM_001385118.1 and 1 more transcripts); short protein forms V392A, V296A, V725A, V777A, V456A, V547A, V640A.
Identifiers: ClinVar variation 1965189 (VCV001965189.5), dbSNP rs1950987231, ClinGen allele CA384371923.